The following is an entry in ClinVar:

NM_002291.3(LAMB1):c.4859T>C (p.Ile1620Thr)

Gene: LAMB1 (laminin subunit beta 1; minus strand). Cytogenetic location: 7q31.1.
Variant type: single nucleotide variant.
Coding change: c.4859T>C on transcript NM_002291.3 (MANE Select); coding-DNA position 4859, T replaced by C.
Protein change: p.Ile1620Thr; replaces isoleucine 1620 with threonine.
Molecular consequence: missense variant.
Genome position (GRCh38, 1-based): chr7:107,929,092, A>G on the plus strand (T>C on the coding strand, the complement: LAMB1 is on the minus strand). VCF-style: chr7-107929092-A-G. GRCh37 (hg19) VCF-style: chr7-107569537-A-G.
Other names: short protein forms I1620T.
Identifiers: ClinVar variation 999947 (VCV000999947.10), dbSNP rs1229813682, ClinGen allele CA368861709.

ClinVar aggregate classification (germline): Uncertain significance (1 of 4 stars; one submission).

Allele frequency attached by ClinVar (database versions not stated): gnomAD exomes below 0.00001; gnomAD 0.00001; TOPMed 0.00002.
gnomAD v4.1: 10 of 1,613,832 alleles (0.00062%); highest among the groups gnomAD compares: Middle Eastern, 0.033%; 1 homozygote.

Submission:

Labcorp Genetics (formerly Invitae), Labcorp
Classification: Uncertain significance. Last evaluated: 2025-08-21. Review status: criteria provided, single submitter. Criteria: Invitae Variant Classification Sherloc (09022015). Collection method: clinical testing. Allele origin: germline.
Comment: This sequence change replaces isoleucine, which is neutral and non-polar, with threonine, which is neutral and polar, at codon 1620 of the LAMB1 protein (p.Ile1620Thr). This variant is not present in population databases (gnomAD no frequency). This missense change has been observed in individual(s) with clinical features of cobblestone lissencephaly (PMID: 33542858). ClinVar contains an entry for this variant (Variation ID: 999947). An algorithm developed to predict the effect of missense changes on protein structure and function (PolyPhen-2) suggests that this variant is likely to be tolerated. In summary, the available evidence is currently insufficient to determine the role of this variant in disease. Therefore, it has been classified as a Variant of Uncertain Significance.

Literature cited by the submitters: PubMed 33542858.